The following is an entry in ClinVar:

NM_206933.4(USH2A):c.2994-12C>T

Genes: USH2A (usherin; minus strand), USH2A-AS1 (USH2A antisense RNA 1; plus strand). Cytogenetic location: 1q41.
Variant type: single nucleotide variant.
Coding change: c.2994-12C>T on transcript NM_206933.4 (MANE Select); 12 bases into the intron before coding-DNA position 2994, C replaced by T.
Molecular consequence: intron variant.
Genome position (GRCh38, 1-based): chr1:216,217,562, G>A on the plus strand (C>T on the coding strand, the complement: USH2A is on the minus strand). VCF-style: chr1-216217562-G-A. GRCh37 (hg19) VCF-style: chr1-216390904-G-A.
Other names: c.2994-12C>T (NM_007123.6).
Identifiers: ClinVar variation 1953231 (VCV001953231.5), dbSNP rs2035367604, ClinGen allele CA1012228868.

ClinVar aggregate classification (germline): Uncertain significance (1 of 4 stars; one submission).

Allele frequency attached by ClinVar (database versions not stated): gnomAD exomes below 0.00001; gnomAD 0.00001.
gnomAD v4.1: 2 of 1,612,292 alleles (0.00012%); highest among the groups gnomAD compares: Admixed American, 0.0033%; no homozygotes.

Submission:

Labcorp Genetics (formerly Invitae), Labcorp
Classification: Uncertain significance. Last evaluated: 2022-06-26. Review status: criteria provided, single submitter. Criteria: Invitae Variant Classification Sherloc (09022015). Collection method: clinical testing. Allele origin: germline.
Comment: In summary, the available evidence is currently insufficient to determine the role of this variant in disease. Therefore, it has been classified as a Variant of Uncertain Significance. Algorithms developed to predict the effect of sequence changes on RNA splicing suggest that this variant may create or strengthen a splice site. This variant has not been reported in the literature in individuals affected with USH2A-related conditions. This variant is not present in population databases (gnomAD no frequency). This sequence change falls in intron 14 of the USH2A gene. It does not directly change the encoded amino acid sequence of the USH2A protein.